The following is an entry in ClinVar:

NM_018965.4(TREM2):c.646G>T (p.Asp216Tyr)

Gene: TREM2 (triggering receptor expressed on myeloid cells 2; minus strand). Cytogenetic location: 6p21.1.
Variant type: single nucleotide variant.
Coding change: c.646G>T on transcript NM_018965.4 (MANE Select); coding-DNA position 646, G replaced by T.
Protein change: p.Asp216Tyr; replaces aspartic acid 216 with tyrosine.
Molecular consequence: missense variant. On other transcripts: intron variant (1).
Genome position (GRCh38, 1-based): chr6:41,158,903, C>A on the plus strand (G>T on the coding strand, the complement: TREM2 is on the minus strand). VCF-style: chr6-41158903-C-A. GRCh37 (hg19) VCF-style: chr6-41126641-C-A.
Other names: p.Asp216Tyr; c.483-123G>T (NM_001271821.2); short protein forms D216Y.
Identifiers: ClinVar variation 3379676 (VCV003379676.1).

ClinVar aggregate classification (germline): Uncertain significance (1 of 4 stars; one submission).

gnomAD v4.1: 24 of 1,614,106 alleles (0.0015%); highest among the groups gnomAD compares: African/African-American, 0.031%; 1 homozygote.

Submission:

Mayo Clinic Laboratories, Mayo Clinic
Classification: Uncertain significance. Last evaluated: 2024-08-14. Review status: criteria provided, single submitter. Criteria: ACMG Guidelines, 2015. Collection method: clinical testing. Allele origin: germline. Observed: 1 variant allele.
Comment: BP4